The following is an entry in ClinVar:

ClinVar aggregate classification (germline): Uncertain significance (1 of 4 stars; one submission).

Allele frequency attached by ClinVar (database versions not stated): gnomAD exomes 0.00001.
gnomAD v4.1: 10 of 1,609,642 alleles (0.00062%); highest among the groups gnomAD compares: Non-Finnish European, 0.00085%; no homozygotes.

Submission:

Labcorp Genetics (formerly Invitae), Labcorp
Classification: Uncertain significance. Last evaluated: 2025-01-16. Review status: criteria provided, single submitter. Criteria: Invitae Variant Classification Sherloc (09022015). Collection method: clinical testing. Allele origin: germline.
Comment: This sequence change replaces glycine, which is neutral and non-polar, with arginine, which is basic and polar, at codon 131 of the TNNI3K protein (p.Gly131Arg). This variant is not present in population databases (gnomAD no frequency). This variant has not been reported in the literature in individuals affected with TNNI3K-related conditions. ClinVar contains an entry for this variant (Variation ID: 2122397). Invitae Evidence Modeling of protein sequence and biophysical properties (such as structural, functional, and spatial information, amino acid conservation, physicochemical variation, residue mobility, and thermodynamic stability) indicates that this missense variant is not expected to disrupt TNNI3K protein function with a negative predictive value of 80%. In summary, the available evidence is currently insufficient to determine the role of this variant in disease. Therefore, it has been classified as a Variant of Uncertain Significance.

NM_015978.3(TNNI3K):c.391G>A (p.Gly131Arg)

Genes: FPGT-TNNI3K (FPGT-TNNI3K readthrough; plus strand), TNNI3K (TNNI3 interacting kinase; plus strand). Cytogenetic location: 1p31.1.
Variant type: single nucleotide variant.
Coding change: c.391G>A on transcript NM_015978.3 (MANE Select); coding-DNA position 391, G replaced by A.
Protein change: p.Gly131Arg; replaces glycine 131 with arginine.
Molecular consequence: missense variant.
Genome position (GRCh38, 1-based): chr1:74,271,655, G>A. VCF-style: chr1-74271655-G-A. GRCh37 (hg19) VCF-style: chr1-74737339-G-A.
Other names: c.694G>A, p.Gly232Arg (NM_001112808.3, NM_001199327.2); short protein forms G131R, G232R.
Identifiers: ClinVar variation 2122397 (VCV002122397.4), dbSNP rs1656357531, ClinGen allele CA340780747.